The following is an entry in ClinVar:

ClinVar aggregate classification (germline): Pathogenic/Likely pathogenic. Review status: criteria provided, multiple submitters, no conflicts (2 of 4 stars). 2 submissions from 2 submitters: Pathogenic (1); Likely pathogenic (1). Last evaluated 2019-11-19.

Conditions:
Retinitis pigmentosa 43 (RP43). Identifiers: Orphanet 791, MedGen C3151139, MONDO:0013437, OMIM 613810.
PDE6A-related disorder. Also called: PDE6A-related condition.

Allele frequency attached by ClinVar (database versions not stated): TOPMed 0.00001.

Submissions (2):

Blueprint Genetics
Classification: Likely pathogenic for PDE6A-related disorders. Last evaluated: 2019-11-19. Review status: criteria provided, single submitter. Criteria: ACMG Guidelines, 2015. Collection method: clinical testing. Allele origin: germline. Affected: yes. Observed: 1 variant allele.

Centre for Mendelian Genomics, University Medical Centre Ljubljana
Classification: Pathogenic for Retinitis pigmentosa 43. Last evaluated: 2019-07-10. Review status: criteria provided, single submitter. Criteria: ACMG Guidelines, 2015. Collection method: clinical testing. Allele origin: unknown. Affected: yes.
Comment: This variant was classified as: Pathogenic. The following ACMG criteria were applied in classifying this variant: PVS1,PM2,PP4. This variant was detected in homozygous state.

NM_000440.3(PDE6A):c.2027+2T>G

Gene: PDE6A (phosphodiesterase 6A; minus strand). Cytogenetic location: 5q32.
Variant type: single nucleotide variant.
Coding change: c.2027+2T>G on transcript NM_000440.3 (MANE Select); the canonical splice donor site of the intron after coding-DNA position 2027, T replaced by G.
Molecular consequence: splice donor variant.
Genome position (GRCh38, 1-based): chr5:149,884,477, A>C on the plus strand (T>G on the coding strand, the complement: PDE6A is on the minus strand). VCF-style: chr5-149884477-A-C. GRCh37 (hg19) VCF-style: chr5-149264040-A-C.
Other names: c.1784+2T>G (NM_001410788.1).
Identifiers: ClinVar variation 930770 (VCV000930770.4), dbSNP rs1259637349, ClinGen allele CA361693192.